The following is an entry in ClinVar:

NM_014516.4(CNOT3):c.1473A>G (p.Ser491=)

Gene: CNOT3 (CCR4-NOT transcription complex subunit 3; plus strand). Cytogenetic location: 19q13.42.
Variant type: single nucleotide variant.
Coding change: c.1473A>G on transcript NM_014516.4 (MANE Select); coding-DNA position 1473, A replaced by G.
Protein change: p.Ser491=; no amino-acid change (serine 491 retained).
Molecular consequence: synonymous variant.
Genome position (GRCh38, 1-based): chr19:54,149,626, A>G. VCF-style: chr19-54149626-A-G. GRCh37 (hg19) VCF-style: chr19-54653361-A-G.
Other names: c.1473A>G (NM_014516.3).
Identifiers: ClinVar variation 2869181 (VCV002869181.5), dbSNP rs34420007, ClinGen allele CA407766524.

ClinVar aggregate classification (germline): Benign. Review status: criteria provided, single submitter (1 of 4 stars). 2 submissions from 2 submitters: Benign (1). 1 of the submissions does not count toward it. Last evaluated 2025-06-04.

Conditions:
CNOT3-related disorder. Also called: CNOT3-related condition.

Allele frequency attached by ClinVar (database versions not stated): ESP Exome Variant Server 0.00038.
gnomAD v4.1: 90 of 1,613,610 alleles (0.0056%); highest among the groups gnomAD compares: African/African-American, 0.099%; no homozygotes.

Submissions (2):

Labcorp Genetics (formerly Invitae), Labcorp
Classification: Benign. Last evaluated: 2025-06-04. Review status: criteria provided, single submitter. Criteria: Invitae Variant Classification Sherloc (09022015). Collection method: clinical testing. Allele origin: germline.

PreventionGenetics, part of Exact Sciences
Classification: Likely benign for CNOT3-related condition. Last evaluated: 2021-06-15. Review status: no assertion criteria provided. Collection method: clinical testing. Allele origin: germline. Not counted in ClinVar's aggregate classification.
Comment: This variant is classified as likely benign based on ACMG/AMP sequence variant interpretation guidelines (Richards et al. 2015 PMID: 25741868, with internal and published modifications).